The following is an entry in ClinVar:

ClinVar aggregate classification (germline): Uncertain significance (1 of 4 stars; one submission).

Submission:

CeGaT Center for Human Genetics Tuebingen
Classification: Uncertain significance. Last evaluated: 2022-07-01. Review status: criteria provided, single submitter. Criteria: CeGaT Center For Human Genetics Tuebingen Variant Classification Criteria Version 2. Collection method: clinical testing. Allele origin: germline. Affected: yes. Observed: 1 variant allele.
Comment: NAA15: PM2, PP2

NM_057175.5(NAA15):c.475C>T (p.His159Tyr)

Gene: NAA15 (N-alpha-acetyltransferase 15, NatA auxiliary subunit; plus strand). Cytogenetic location: 4q31.1.
Variant type: single nucleotide variant.
Coding change: c.475C>T on transcript NM_057175.5 (MANE Select); coding-DNA position 475, C replaced by T.
Protein change: p.His159Tyr; replaces histidine 159 with tyrosine.
Molecular consequence: missense variant.
Genome position (GRCh38, 1-based): chr4:139,342,898, C>T. VCF-style: chr4-139342898-C-T. GRCh37 (hg19) VCF-style: chr4-140264052-C-T.
Other names: short protein forms H159Y.
Identifiers: ClinVar variation 1701473 (VCV001701473.31), dbSNP rs2110915364, ClinGen allele CA358260149.